The following is an entry in ClinVar:

NM_015268.4(DNAJC13):c.5081G>A (p.Arg1694Lys)

Gene: DNAJC13 (DnaJ heat shock protein family (Hsp40) member C13; plus strand). Cytogenetic location: 3q22.1.
Variant type: single nucleotide variant.
Coding change: c.5081G>A on transcript NM_015268.4 (MANE Select); coding-DNA position 5081, G replaced by A.
Protein change: p.Arg1694Lys; replaces arginine 1694 with lysine.
Molecular consequence: missense variant.
Genome position (GRCh38, 1-based): chr3:132,507,319, G>A. VCF-style: chr3-132507319-G-A. GRCh37 (hg19) VCF-style: chr3-132226163-G-A.
Other names: c.5096G>A, p.Arg1699Lys (NM_001329126.2); short protein forms R1694K, R1699K.
Identifiers: ClinVar variation 2654156 (VCV002654156.24), dbSNP rs1217671170, ClinGen allele CA354560054.
Genomic context (GRCh38, chr3:132,507,319, plus strand): 5'-GATCAGAATTTGTCTACAGTGATCATGCCAAAGAACTTATTGTAGGGGAGATTTTTGTTA[G>A]GGTGTATAATGAAGTTCCTACTTTCCAACTGGAGGTAAGCTCTCTGCTTTTAATTTTACC-3'
Protein context (NP_056083.3, residues 1684-1704): KELIVGEIFV[Arg1694Lys]VYNEVPTFQL

ClinVar aggregate classification (germline): Uncertain significance (1 of 4 stars; one submission).

Allele frequency attached by ClinVar (database versions not stated): TOPMed 0.00001.

Submission:

CeGaT Center for Human Genetics Tuebingen
Classification: Uncertain significance. Last evaluated: 2022-05-01. Review status: criteria provided, single submitter. Criteria: CeGaT Center For Human Genetics Tuebingen Variant Classification Criteria Version 2. Collection method: clinical testing. Allele origin: germline. Affected: yes. Observed: 1 variant allele.
Comment: DNAJC13: PM2